The following is an entry in ClinVar:

ClinVar aggregate classification (germline): Uncertain significance (1 of 4 stars; one submission).

Submission:

GeneDx
Classification: Uncertain significance. Last evaluated: 2024-07-30. Review status: criteria provided, single submitter. Criteria: GeneDx Variant Classification Process June 2021. Collection method: clinical testing. Allele origin: germline. Affected: yes.
Comment: Not observed at significant frequency in large population cohorts (gnomAD); In silico analysis supports that this missense variant has a deleterious effect on protein structure/function; Has not been previously published as pathogenic or benign to our knowledge

NM_014159.7(SETD2):c.3905G>T (p.Gly1302Val)

Gene: SETD2 (SET domain containing 2, histone lysine methyltransferase; minus strand). Cytogenetic location: 3p21.31.
Variant type: single nucleotide variant.
Coding change: c.3905G>T on transcript NM_014159.7 (MANE Select); coding-DNA position 3905, G replaced by T.
Protein change: p.Gly1302Val; replaces glycine 1302 with valine.
Molecular consequence: missense variant. On other transcripts: non-coding transcript variant (1).
Genome position (GRCh38, 1-based): chr3:47,120,731, C>A on the plus strand (G>T on the coding strand, the complement: SETD2 is on the minus strand). VCF-style: chr3-47120731-C-A. GRCh37 (hg19) VCF-style: chr3-47162221-C-A.
Other names: c.3773G>T, p.Gly1258Val (NM_001349370.3); short protein forms G1258V, G1302V.
Identifiers: ClinVar variation 3602496 (VCV003602496.1).